The following is an entry in ClinVar:

NM_001558.4(IL10RA):c.1598A>G (p.Asp533Gly)

Gene: IL10RA (interleukin 10 receptor subunit alpha; plus strand). Cytogenetic location: 11q23.3.
Variant type: single nucleotide variant.
Coding change: c.1598A>G on transcript NM_001558.4 (MANE Select); coding-DNA position 1598, A replaced by G.
Protein change: p.Asp533Gly; replaces aspartic acid 533 with glycine.
Molecular consequence: missense variant. On other transcripts: non-coding transcript variant (1).
Genome position (GRCh38, 1-based): chr11:117,999,502, A>G. VCF-style: chr11-117999502-A-G. GRCh37 (hg19) VCF-style: chr11-117870217-A-G.
Other names: c.1151A>G, p.Asp384Gly (NM_001440423.1); short protein forms D384G, D533G.
Identifiers: ClinVar variation 4738092 (VCV004738092.1).

ClinVar aggregate classification (germline): Uncertain significance (1 of 4 stars; one submission).

Conditions:
Inflammatory bowel disease 28. Also called: Inflammatory bowel disease 28, early onset, autosomal recessive. Identifiers: Orphanet 238569, MedGen C2751053, MONDO:0013153, OMIM 613148.

Submission:

Labcorp Genetics (formerly Invitae), Labcorp
Classification: Uncertain significance for Inflammatory bowel disease 28. Last evaluated: 2025-12-11. Review status: criteria provided, single submitter. Criteria: Invitae Variant Classification Sherloc (09022015). Collection method: clinical testing. Allele origin: germline.
Comment: This sequence change replaces aspartic acid, which is acidic and polar, with glycine, which is neutral and non-polar, at codon 533 of the IL10RA protein (p.Asp533Gly). This variant is not present in population databases (gnomAD no frequency). This variant has not been reported in the literature in individuals affected with IL10RA-related conditions. Invitae Evidence Modeling of protein sequence and biophysical properties (such as structural, functional, and spatial information, amino acid conservation, physicochemical variation, residue mobility, and thermodynamic stability) indicates that this missense variant is not expected to disrupt IL10RA protein function with a negative predictive value of 80%. In summary, the available evidence is currently insufficient to determine the role of this variant in disease. Therefore, it has been classified as a Variant of Uncertain Significance.